The following is an entry in ClinVar:

NM_000368.5(TSC1):c.334C>T (p.Leu112Phe)

Gene: TSC1 (TSC complex subunit 1; minus strand). Cytogenetic location: 9q34.13.
Variant type: single nucleotide variant.
Coding change: c.334C>T on transcript NM_000368.5 (MANE Select); coding-DNA position 334, C replaced by T.
Protein change: p.Leu112Phe; replaces leucine 112 with phenylalanine.
Molecular consequence: missense variant. On other transcripts: 5 prime UTR variant (1), intron variant (1).
Genome position (GRCh38, 1-based): chr9:132,925,616, G>A on the plus strand (C>T on the coding strand, the complement: TSC1 is on the minus strand). VCF-style: chr9-132925616-G-A. GRCh37 (hg19) VCF-style: chr9-135801003-G-A.
Other names: c.334C>T, p.Leu112Phe (NM_001162426.2); c.-30C>T (NM_001362177.2); c.210+1585C>T (NM_001162427.2); short protein forms L112F.
Identifiers: ClinVar variation 534476 (VCV000534476.13), dbSNP rs1554820276, ClinGen allele CA375374393.

ClinVar aggregate classification (germline): Conflicting classifications of pathogenicity. Review status: criteria provided, conflicting classifications (1 of 4 stars). 3 submissions from 3 submitters: Uncertain significance (1); Benign (1); Likely benign (1). Last evaluated 2025-07-30.

Conditions:
Hereditary cancer-predisposing syndrome. Also called: Neoplastic Syndromes, Hereditary; Hereditary neoplastic syndrome; Tumor predisposition; Hereditary Cancer Syndrome. Identifiers: Orphanet 140162, MedGen C0027672, MeSH D009386, MONDO:0015356.
Hereditary cancer. Identifiers: MedGen C1333600.
Tuberous sclerosis 1 (TSC1). Identifiers: Orphanet 805, MedGen C1854465, MONDO:0008612, OMIM 191100.

Allele frequency attached by ClinVar (database versions not stated): TOPMed below 0.00001.

Submissions (3):

Labcorp Genetics (formerly Invitae), Labcorp
Classification: Benign for Tuberous sclerosis 1. Last evaluated: 2025-07-30. Review status: criteria provided, single submitter. Criteria: Invitae Variant Classification Sherloc (09022015). Collection method: clinical testing. Allele origin: germline.

Mendelics
Classification: Likely benign for Hereditary cancer. Last evaluated: 2025-06-23. Review status: criteria provided, single submitter. Criteria: ACMG Guidelines, 2015. Collection method: clinical testing. Allele origin: unknown.
Comment: This variant is considered likely benign or benign based on one or more of the following: it is predicted to be benign by multiple in silico algorithms, and/or has population frequency not consistent with disease, and/or has normal protein function, and/or has lack of segregation with disease, and/or has been detected in co-occurrence with known pathogenic variant, and/or has lack of disease association in case-control studies, and/or is located in a region inconsistent with a known cause of pathogenicity.

Ambry Genetics
Classification: Uncertain significance for Hereditary cancer-predisposing syndrome. Last evaluated: 2023-03-12. Review status: criteria provided, single submitter. Criteria: Ambry Variant Classification Scheme 2023. Collection method: clinical testing. Allele origin: germline.
Comment: The p.L112F variant (also known as c.334C>T), located in coding exon 3 of the TSC1 gene, results from a C to T substitution at nucleotide position 334. The leucine at codon 112 is replaced by phenylalanine, an amino acid with highly similar properties. This amino acid position is conserved. In addition, the in silico prediction for this alteration is inconclusive. Since supporting evidence is limited at this time, the clinical significance of this alteration remains unclear.